The following is an entry in ClinVar:

NM_007294.4(BRCA1):c.68A>T (p.Glu23Val)

Gene: BRCA1 (BRCA1 DNA repair associated; minus strand). Cytogenetic location: 17q21.31.
Variant type: single nucleotide variant.
Coding change: c.68A>T on transcript NM_007294.4 (MANE Select); coding-DNA position 68, A replaced by T.
Protein change: p.Glu23Val; replaces glutamic acid 23 with valine.
Molecular consequence: missense variant. On other transcripts: 5 prime UTR variant (1), non-coding transcript variant (1).
Genome position (GRCh38, 1-based): chr17:43,124,029, T>A on the plus strand (A>T on the coding strand, the complement: BRCA1 is on the minus strand). VCF-style: chr17-43124029-T-A. GRCh37 (hg19) VCF-style: chr17-41276046-T-A.
Other names: c.-121A>T (NM_001407571.1, NM_001407853.1, NM_001407879.1 and 46 more transcripts); c.68A>T, p.Glu23Val (NM_001407581.1, NM_001407582.1, NM_001407583.1 and 193 more transcripts); c.-190A>T (NM_001407694.1, NM_001407724.1, NM_001407727.1 and 11 more transcripts); c.-194A>T (NM_001407695.1, NM_001408465.1); c.-335A>T (NM_001407696.1); c.-219A>T (NM_001407697.1, NM_001407846.1, NM_001407920.1); c.-20A>T (NM_001407698.1, NM_001407732.1, NM_001407736.1 and 23 more transcripts); c.-193A>T (NM_001407725.1, NM_001407730.1, NM_001407734.1 and 22 more transcripts); and 8 more; short protein forms E23V.
Identifiers: ClinVar variation 868755 (VCV000868755.3), dbSNP rs1597923307, ClinGen allele CA10602019.

Conditions:
Breast-ovarian cancer, familial, susceptibility to, 1 (BROVCA1). Also called: BRCA1 Hereditary Breast and Ovarian Cancer; OVARIAN CANCER, SUSCEPTIBILITY TO. Identifiers: Orphanet 145, MedGen C2676676, MONDO:0011450, OMIM 604370. Disease mechanism: loss of function.

Submission:

Brotman Baty Institute, University of Washington
No classification provided (evidence only). Condition: Breast-ovarian cancer, familial 1. Review status: no classification provided. Collection method: in vitro. Allele origin: not applicable. Functional consequence: functionally_normal.
ClinVar note: "not provided" was previously submitted as the classification for the variant. However, the classification appeared to be based only on an observation of functional data so it was converted to no classification on 2025-07-30.